The following is an entry in ClinVar:

ClinVar aggregate classification (germline): Uncertain significance (1 of 4 stars; one submission).

Conditions:
Hereditary sensory neuropathy-deafness-dementia syndrome. Also called: HSN IE; NEUROPATHY, HEREDITARY SENSORY, WITH HEARING LOSS AND DEMENTIA; Hereditary Sensory and Autonomic Neuropathy Type 1E (HSAN1E); Hereditary sensory neuropathy type IE. Identifiers: Orphanet 456318, MedGen C3279885, MONDO:0013584, OMIM 614116.

Submission:

Labcorp Genetics (formerly Invitae), Labcorp
Classification: Uncertain significance for Hereditary sensory neuropathy-deafness-dementia syndrome. Last evaluated: 2025-04-28. Review status: criteria provided, single submitter. Criteria: Invitae Variant Classification Sherloc (09022015). Collection method: clinical testing. Allele origin: germline.
Comment: This sequence change replaces glycine, which is neutral and non-polar, with arginine, which is basic and polar, at codon 1247 of the DNMT1 protein (p.Gly1247Arg). This variant is not present in population databases (gnomAD no frequency). This variant has not been reported in the literature in individuals affected with DNMT1-related conditions. Invitae Evidence Modeling of protein sequence and biophysical properties (such as structural, functional, and spatial information, amino acid conservation, physicochemical variation, residue mobility, and thermodynamic stability) indicates that this missense variant is expected to disrupt DNMT1 protein function with a positive predictive value of 80%. In summary, the available evidence is currently insufficient to determine the role of this variant in disease. Therefore, it has been classified as a Variant of Uncertain Significance.

NM_001130823.3(DNMT1):c.3739G>C (p.Gly1247Arg)

Gene: DNMT1 (DNA methyltransferase 1; minus strand). Cytogenetic location: 19p13.2.
Variant type: single nucleotide variant.
Coding change: c.3739G>C on transcript NM_001130823.3 (MANE Select); coding-DNA position 3739, G replaced by C.
Protein change: p.Gly1247Arg; replaces glycine 1247 with arginine.
Molecular consequence: missense variant.
Genome position (GRCh38, 1-based): chr19:10,140,113, C>G on the plus strand (G>C on the coding strand, the complement: DNMT1 is on the minus strand). VCF-style: chr19-10140113-C-G. GRCh37 (hg19) VCF-style: chr19-10250789-C-G.
Other names: c.3691G>C, p.Gly1231Arg (NM_001318730.2, NM_001379.4); c.3376G>C, p.Gly1126Arg (NM_001318731.2); short protein forms G1231R, G1126R, G1247R.
Identifiers: ClinVar variation 4746713 (VCV004746713.1).
Genomic context (GRCh38, chr19:10,140,113, plus strand): 5'-AGGAAACCACCAGAGAGTTTTTGAACTTGGAGTAGGTGCGCGAATTGAAGCGGTTCATGC[C>G]GCTGAAGCCCTGGCAGGGCGGCCCGCCGCACAGCATCTCCACGTCTCCCTTCTGGGGCAG-3'
Protein context (NP_001124295.1, residues 1237-1257): CGGPPCQGFS[Gly1247Arg]MNRFNSRTYS